The following is an entry in ClinVar:

NM_032833.5(PPP1R15B):c.455C>T (p.Ser152Leu)

Gene: PPP1R15B (protein phosphatase 1 regulatory subunit 15B; minus strand). Cytogenetic location: 1q32.1.
Variant type: single nucleotide variant.
Coding change: c.455C>T on transcript NM_032833.5 (MANE Select); coding-DNA position 455, C replaced by T.
Protein change: p.Ser152Leu; replaces serine 152 with leucine.
Molecular consequence: missense variant.
Genome position (GRCh38, 1-based): chr1:204,410,957, G>A on the plus strand (C>T on the coding strand, the complement: PPP1R15B is on the minus strand). VCF-style: chr1-204410957-G-A. GRCh37 (hg19) VCF-style: chr1-204380085-G-A.
Other names: c.455C>T (NM_032833.3); short protein forms S152L.
Identifiers: ClinVar variation 2199626 (VCV002199626.5), dbSNP rs145570007, ClinGen allele CA1346811.

ClinVar aggregate classification (germline): Uncertain significance. Review status: criteria provided, multiple submitters, no conflicts (2 of 4 stars). 2 submissions from 2 submitters: Uncertain significance (2). Last evaluated 2026-01-12.

Conditions:
Inborn genetic diseases. Identifiers: MedGen C0950123, MeSH D030342.

Allele frequency attached by ClinVar (database versions not stated): ESP Exome Variant Server 0.00023; ExAC 0.00027.
gnomAD v4.1: 537 of 1,614,036 alleles (0.033%); highest among the groups gnomAD compares: Non-Finnish European, 0.042%; no homozygotes.

Submissions (2):

Labcorp Genetics (formerly Invitae), Labcorp
Classification: Uncertain significance. Last evaluated: 2026-01-12. Review status: criteria provided, single submitter. Criteria: Invitae Variant Classification Sherloc (09022015). Collection method: clinical testing. Allele origin: germline.
Comment: This sequence change replaces serine, which is neutral and polar, with leucine, which is neutral and non-polar, at codon 152 of the PPP1R15B protein (p.Ser152Leu). This variant is present in population databases (rs145570007, gnomAD 0.06%), and has an allele count higher than expected for a pathogenic variant. This variant has not been reported in the literature in individuals affected with PPP1R15B-related conditions. ClinVar contains an entry for this variant (Variation ID: 2199626). Invitae Evidence Modeling of protein sequence and biophysical properties (such as structural, functional, and spatial information, amino acid conservation, physicochemical variation, residue mobility, and thermodynamic stability) indicates that this missense variant is not expected to disrupt PPP1R15B protein function with a negative predictive value of 80%. In summary, the available evidence is currently insufficient to determine the role of this variant in disease. Therefore, it has been classified as a Variant of Uncertain Significance.

Ambry Genetics
Classification: Uncertain significance for Inborn genetic diseases. Last evaluated: 2021-09-16. Review status: criteria provided, single submitter. Criteria: Ambry Variant Classification Scheme 2023. Collection method: clinical testing. Allele origin: germline.